The following is an entry in ClinVar:

NM_001354930.2(RIPK1):c.1475C>G (p.Pro492Arg)

Gene: RIPK1 (receptor interacting serine/threonine kinase 1; plus strand). Cytogenetic location: 6p25.2.
Variant type: single nucleotide variant.
Coding change: c.1475C>G on transcript NM_001354930.2 (MANE Select); coding-DNA position 1475, C replaced by G.
Protein change: p.Pro492Arg; replaces proline 492 with arginine.
Molecular consequence: missense variant.
Genome position (GRCh38, 1-based): chr6:3,105,950, C>G. VCF-style: chr6-3105950-C-G. GRCh37 (hg19) VCF-style: chr6-3106184-C-G.
Other names: c.986C>G, p.Pro329Arg (NM_001317061.3, NM_001354932.2, NM_001354933.2 and 1 more transcripts); c.1337C>G, p.Pro446Arg (NM_001354931.2); c.1475C>G, p.Pro492Arg (NM_003804.6); short protein forms P492R, P329R, P446R.
Identifiers: ClinVar variation 1480884 (VCV001480884.8), dbSNP rs1266925466, ClinGen allele CA362573399.

ClinVar aggregate classification (germline): Uncertain significance (1 of 4 stars; one submission).

Allele frequency attached by ClinVar (database versions not stated): gnomAD exomes below 0.00001.
gnomAD v4.1: 1 of 1,613,918 alleles (0.000062%); highest among the groups gnomAD compares: East Asian, 0.0022%; no homozygotes.

Submission:

Labcorp Genetics (formerly Invitae), Labcorp
Classification: Uncertain significance. Last evaluated: 2021-06-30. Review status: criteria provided, single submitter. Criteria: Invitae Variant Classification Sherloc (09022015). Collection method: clinical testing. Allele origin: germline.
Comment: This sequence change replaces proline with arginine at codon 492 of the RIPK1 protein (p.Pro492Arg). The proline residue is moderately conserved and there is a moderate physicochemical difference between proline and arginine. This variant is not present in population databases (ExAC no frequency). This variant has not been reported in the literature in individuals affected with RIPK1-related conditions. Algorithms developed to predict the effect of missense changes on protein structure and function are either unavailable or do not agree on the potential impact of this missense change (SIFT: "Not Available"; PolyPhen-2: "Possibly Damaging"; Align-GVGD: "Not Available"). In summary, the available evidence is currently insufficient to determine the role of this variant in disease. Therefore, it has been classified as a Variant of Uncertain Significance.